The following is an entry in ClinVar:

ClinVar aggregate classification (germline): Likely benign. Review status: criteria provided, multiple submitters, no conflicts (2 of 4 stars). 2 submissions from 2 submitters: Likely benign (2). Last evaluated 2018-06-16.

Allele frequency attached by ClinVar (database versions not stated): gnomAD exomes 0.00074; gnomAD 0.00851 and 0.00903; TOPMed 0.00918; 1000 Genomes Project 30x 0.01046; 1000 Genomes Project 0.01058.
gnomAD v4.1: 2,088 of 1,159,644 alleles (0.18%); highest among the groups gnomAD compares: African/African-American, 2.7%; 26 homozygotes.

Submissions (2):

GeneDx
Classification: Likely benign. Last evaluated: 2018-06-16. Review status: criteria provided, single submitter. Criteria: GeneDx Variant Classification (06012015). Collection method: clinical testing. Allele origin: germline. Affected: yes.
Comment: This variant is considered likely benign or benign based on one or more of the following criteria: it is a conservative change, it occurs at a poorly conserved position in the protein, it is predicted to be benign by multiple in silico algorithms, and/or has population frequency not consistent with disease.

Breakthrough Genomics
Classification: Likely benign. Review status: criteria provided, single submitter. Criteria: ACMG Guidelines, 2015. Collection method: not provided. Allele origin: germline. Inheritance: Autosomal dominant inheritance. Affected: yes.

NM_001035.3(RYR2):c.7825-121T>A

Gene: RYR2 (ryanodine receptor 2; plus strand). Cytogenetic location: 1q43.
Variant type: single nucleotide variant.
Coding change: c.7825-121T>A on transcript NM_001035.3 (MANE Select); 121 bases into the intron before coding-DNA position 7825, T replaced by A.
Molecular consequence: intron variant.
Genome position (GRCh38, 1-based): chr1:237,654,153, T>A. VCF-style: chr1-237654153-T-A. GRCh37 (hg19) VCF-style: chr1-237817453-T-A.
Identifiers: ClinVar variation 675678 (VCV000675678.2), dbSNP rs138281633, ClinGen allele CA39800953.